The following is an entry in ClinVar:

NM_153026.3(PRICKLE1):c.1435G>A (p.Gly479Arg)

Gene: PRICKLE1 (prickle planar cell polarity protein 1; minus strand). Cytogenetic location: 12q12.
Variant type: single nucleotide variant.
Coding change: c.1435G>A on transcript NM_153026.3 (MANE Select); coding-DNA position 1435, G replaced by A.
Protein change: p.Gly479Arg; replaces glycine 479 with arginine.
Molecular consequence: missense variant.
Genome position (GRCh38, 1-based): chr12:42,464,599, C>T on the plus strand (G>A on the coding strand, the complement: PRICKLE1 is on the minus strand). VCF-style: chr12-42464599-C-T. GRCh37 (hg19) VCF-style: chr12-42858401-C-T.
Other names: c.1435G>A, p.Gly479Arg (NM_001144881.2, NM_001144882.2, NM_001144883.2); short protein forms G479R.
Identifiers: ClinVar variation 198621 (VCV000198621.11), dbSNP rs570770626, ClinGen allele CA247378.

ClinVar aggregate classification (germline): Uncertain significance. Review status: criteria provided, multiple submitters, no conflicts (2 of 4 stars). 3 submissions from 3 submitters: Uncertain significance (3). Last evaluated 2024-03-28.

Conditions:
Epilepsy, progressive myoclonic, 1B. Also called: PME. Identifiers: Orphanet 308, MedGen C2676254, MONDO:0012904, OMIM 612437.

Allele frequency attached by ClinVar (database versions not stated): gnomAD 0.00003 and 0.00001; gnomAD exomes 0.00001 and 0.00005; TOPMed 0.00003; ExAC 0.00006; 1000 Genomes Project 30x 0.00016; 1000 Genomes Project 0.00020.
gnomAD v4.1: 20 of 1,613,880 alleles (0.0012%); highest among the groups gnomAD compares: East Asian, 0.04%; no homozygotes.

Submissions (3):

Ambry Genetics
Classification: Uncertain significance. Last evaluated: 2024-03-28. Review status: criteria provided, single submitter. Criteria: Ambry Variant Classification Scheme 2023. Collection method: clinical testing. Allele origin: germline.

Labcorp Genetics (formerly Invitae), Labcorp
Classification: Uncertain significance for Epilepsy, progressive myoclonic, 1B. Last evaluated: 2022-02-20. Review status: criteria provided, single submitter. Criteria: Invitae Variant Classification Sherloc (09022015). Collection method: clinical testing. Allele origin: germline.
Comment: In summary, the available evidence is currently insufficient to determine the role of this variant in disease. Therefore, it has been classified as a Variant of Uncertain Significance. Algorithms developed to predict the effect of missense changes on protein structure and function (SIFT, PolyPhen-2, Align-GVGD) all suggest that this variant is likely to be disruptive. ClinVar contains an entry for this variant (Variation ID: 198621). This variant has not been reported in the literature in individuals affected with PRICKLE1-related conditions. This variant is present in population databases (rs570770626, gnomAD 0.06%). This sequence change replaces glycine, which is neutral and non-polar, with arginine, which is basic and polar, at codon 479 of the PRICKLE1 protein (p.Gly479Arg).

Eurofins Ntd Llc (ga)
Classification: Uncertain significance. Last evaluated: 2014-07-03. Review status: criteria provided, single submitter. Criteria: EGL Classification Definitions 2015. Collection method: clinical testing. Allele origin: germline. Observed: 1 variant allele, 1 heterozygote.